The following is an entry in ClinVar:

NM_015959.4(TMX2):c.548+10G>A

Genes: TMX2 (thioredoxin related transmembrane protein 2; plus strand), TMX2-CTNND1 (TMX2-CTNND1 readthrough (NMD candidate); plus strand). Cytogenetic location: 11q12.1.
Variant type: single nucleotide variant.
Coding change: c.548+10G>A on transcript NM_015959.4 (MANE Select); 10 bases into the intron after coding-DNA position 548, G replaced by A.
Molecular consequence: intron variant.
Genome position (GRCh38, 1-based): chr11:57,738,780, G>A. VCF-style: chr11-57738780-G-A. GRCh37 (hg19) VCF-style: chr11-57506252-G-A.
Other names: c.266+10G>A (NM_001347895.2, NM_001347893.2, NM_001347894.2 and 1 more transcripts); c.548+10G>A (NM_001347890.2, NM_001347898.2); c.434+10G>A (NM_001144012.3); c.464+10G>A (NM_001347891.2); c.341+10G>A (NM_001347892.2).
Identifiers: ClinVar variation 3031093 (VCV003031093.2), dbSNP rs749970754, ClinGen allele CA6009642.
Genomic context (GRCh38, chr11:57,738,780, plus strand): 5'-GTCTAATGACTGCCAATCATTTGCCCCTATCTATGCTGACCTCTCCCTTAAGTGAGTAGT[G>A]CAAAGGGAGGGATGGTGGAAATGGAGATGCTGTGCCTTCCCTCTCACTGTTTTTGGCTTT-3'

ClinVar aggregate classification (germline): Likely benign (0 of 4 stars; one submission).

Conditions:
TMX2-related disorder. Also called: TMX2-related condition.

Allele frequency attached by ClinVar (database versions not stated): gnomAD exomes below 0.00001; ExAC 0.00002; gnomAD 0.00002; TOPMed 0.00003.
gnomAD v4.1: 8 of 1,605,488 alleles (0.0005%); highest among the groups gnomAD compares: African/African-American, 0.0094%; no homozygotes.

Submission:

PreventionGenetics, part of Exact Sciences
Classification: Likely benign for TMX2-related condition. Last evaluated: 2021-03-12. Review status: no assertion criteria provided. Collection method: clinical testing. Allele origin: germline.
Comment: This variant is classified as likely benign based on ACMG/AMP sequence variant interpretation guidelines (Richards et al. 2015 PMID: 25741868, with internal and published modifications).